The following is an entry in ClinVar:

ClinVar aggregate classification (germline): Uncertain significance (1 of 4 stars; one submission).

Allele frequency attached by ClinVar (database versions not stated): TOPMed below 0.00001; gnomAD 0.00001.
gnomAD v4.1: 2 of 1,613,946 alleles (0.00012%); highest among the groups gnomAD compares: African/African-American, 0.0027%; no homozygotes.

Submission:

Labcorp Genetics (formerly Invitae), Labcorp
Classification: Uncertain significance. Last evaluated: 2023-11-28. Review status: criteria provided, single submitter. Criteria: Invitae Variant Classification Sherloc (09022015). Collection method: clinical testing. Allele origin: germline.
Comment: This sequence change replaces alanine, which is neutral and non-polar, with aspartic acid, which is acidic and polar, at codon 76 of the DDX58 protein (p.Ala76Asp). This variant is not present in population databases (gnomAD no frequency). This variant has not been reported in the literature in individuals affected with DDX58-related conditions. An algorithm developed to predict the effect of missense changes on protein structure and function (PolyPhen-2) suggests that this variant is likely to be disruptive. In summary, the available evidence is currently insufficient to determine the role of this variant in disease. Therefore, it has been classified as a Variant of Uncertain Significance.

NM_014314.4(RIGI):c.227C>A (p.Ala76Asp)

Gene: RIGI (RNA sensor RIG-I; minus strand). Cytogenetic location: 9p21.1.
Variant type: single nucleotide variant.
Coding change: c.227C>A on transcript NM_014314.4 (MANE Select); coding-DNA position 227, C replaced by A.
Protein change: p.Ala76Asp; replaces alanine 76 with aspartic acid.
Molecular consequence: missense variant. On other transcripts: 5 prime UTR variant (3).
Genome position (GRCh38, 1-based): chr9:32,500,819, G>T on the plus strand (C>A on the coding strand, the complement: RIGI is on the minus strand). VCF-style: chr9-32500819-G-T. GRCh37 (hg19) VCF-style: chr9-32500817-G-T.
Other names: c.227C>A, p.Ala76Asp (NM_001385907.1, NM_001385909.1, NM_001385913.1); c.-228C>A (NM_001385910.1, NM_001385914.1); c.-235C>A (NM_001385912.1); short protein forms A76D.
Identifiers: ClinVar variation 2784613 (VCV002784613.3), dbSNP rs1824414784, ClinGen allele CA373142832.